The following is an entry in ClinVar:

ClinVar aggregate classification (germline): Conflicting classifications of pathogenicity. Review status: criteria provided, conflicting classifications (1 of 4 stars). 2 submissions from 2 submitters: Uncertain significance (1); Likely benign (1). Last evaluated 2018-06-07.

Conditions:
Alport syndrome. Also called: Hemorrhagic familial nephritis; Hemorrhagic hereditary nephritis; Congenital hereditary hematuria. Identifiers: Orphanet 63, MedGen C1567741, MONDO:0018965.

Allele frequency attached by ClinVar (database versions not stated): ExAC 0.00009; gnomAD 0.00016 and 0.00019; gnomAD exomes 0.00018; TOPMed 0.00019.
gnomAD v4.1: 460 of 1,529,620 alleles (0.03%); highest among the groups gnomAD compares: Non-Finnish European, 0.037%; no homozygotes.

Submissions (2):

GeneDx
Classification: Likely benign. Last evaluated: 2018-06-07. Review status: criteria provided, single submitter. Criteria: GeneDx Variant Classification (06012015). Collection method: clinical testing. Allele origin: germline. Affected: yes.
Comment: This variant is considered likely benign or benign based on one or more of the following criteria: it is a conservative change, it occurs at a poorly conserved position in the protein, it is predicted to be benign by multiple in silico algorithms, and/or has population frequency not consistent with disease.

Illumina Laboratory Services, Illumina
Classification: Uncertain significance for Alport syndrome. Last evaluated: 2018-01-12. Review status: criteria provided, single submitter. Criteria: ICSL Variant Classification Criteria 13 December 2019. Collection method: clinical testing. Allele origin: germline.

NM_000091.5(COL4A3):c.-26G>T

Genes: COL4A3 (collagen type IV alpha 3 chain; plus strand), LOC129935730 (ATAC-STARR-seq lymphoblastoid silent region 12397; plus strand). Cytogenetic location: 2q36.3.
Variant type: single nucleotide variant.
Coding change: c.-26G>T on transcript NM_000091.5 (MANE Select); 26 bases upstream of the start codon, G replaced by T.
Molecular consequence: 5 prime UTR variant.
Genome position (GRCh38, 1-based): chr2:227,164,701, G>T. VCF-style: chr2-227164701-G-T. GRCh37 (hg19) VCF-style: chr2-228029417-G-T.
Identifiers: ClinVar variation 668426 (VCV000668426.5), dbSNP rs747049729, ClinGen allele CA2145880.